The following is an entry in ClinVar:

NM_002334.4(LRP4):c.3613C>T (p.Leu1205Phe)

Gene: LRP4 (LDL receptor related protein 4; minus strand). Cytogenetic location: 11p11.2.
Variant type: single nucleotide variant.
Coding change: c.3613C>T on transcript NM_002334.4 (MANE Select); coding-DNA position 3613, C replaced by T.
Protein change: p.Leu1205Phe; replaces leucine 1205 with phenylalanine.
Molecular consequence: missense variant.
Genome position (GRCh38, 1-based): chr11:46,875,890, G>A on the plus strand (C>T on the coding strand, the complement: LRP4 is on the minus strand). VCF-style: chr11-46875890-G-A. GRCh37 (hg19) VCF-style: chr11-46897441-G-A.
Other names: short protein forms L1205F.
Identifiers: ClinVar variation 2070394 (VCV002070394.4), dbSNP rs2539730288, ClinGen allele CA380273298.

ClinVar aggregate classification (germline): Uncertain significance (1 of 4 stars; one submission).

Conditions:
Cenani-Lenz syndactyly syndrome. Also called: CENANI SYNDACTYLISM; SYNDACTYLY, TYPE VII. Identifiers: Orphanet 3258, MedGen C1859309, MONDO:0008931, OMIM 212780.
Sclerosteosis 2 (SOST2). Identifiers: Orphanet 3152, MedGen C3280402, MONDO:0013679, OMIM 614305.
Congenital myasthenic syndrome 17. Identifiers: Orphanet 590, MedGen C4225377, MONDO:0014578, OMIM 616304.

Submission:

Labcorp Genetics (formerly Invitae), Labcorp
Classification: Uncertain significance for Cenani-Lenz syndactyly syndrome; Sclerosteosis 2; Congenital myasthenic syndrome 17. Last evaluated: 2022-03-06. Review status: criteria provided, single submitter. Criteria: Invitae Variant Classification Sherloc (09022015). Collection method: clinical testing. Allele origin: germline.
Comment: This sequence change replaces leucine, which is neutral and non-polar, with phenylalanine, which is neutral and non-polar, at codon 1205 of the LRP4 protein (p.Leu1205Phe). This variant is not present in population databases (gnomAD no frequency). This variant has not been reported in the literature in individuals affected with LRP4-related conditions. Algorithms developed to predict the effect of missense changes on protein structure and function are either unavailable or do not agree on the potential impact of this missense change (SIFT: "Deleterious"; PolyPhen-2: "Probably Damaging"; Align-GVGD: "Class C15"). In summary, the available evidence is currently insufficient to determine the role of this variant in disease. Therefore, it has been classified as a Variant of Uncertain Significance.